The following is an entry in ClinVar:

ClinVar aggregate classification (germline): Uncertain significance (1 of 4 stars; one submission).

Submission:

Ambry Genetics
Classification: Uncertain significance. Last evaluated: 2024-08-03. Review status: criteria provided, single submitter. Criteria: Ambry Variant Classification Scheme 2023. Collection method: clinical testing. Allele origin: germline.
Comment: The p.D1407N variant (also known as c.4219G>A), located in coding exon 11 of the MLH3 gene, results from a G to A substitution at nucleotide position 4219. The aspartic acid at codon 1407 is replaced by asparagine, an amino acid with highly similar properties. This amino acid position is conserved. In addition, this alteration is predicted to be tolerated by in silico analysis. Based on the available evidence, the clinical significance of this variant remains unclear.

NM_001040108.2(MLH3):c.4219G>A (p.Asp1407Asn)

Gene: MLH3 (mutL homolog 3; minus strand). Cytogenetic location: 14q24.3.
Variant type: single nucleotide variant.
Coding change: c.4219G>A on transcript NM_001040108.2 (MANE Select); coding-DNA position 4219, G replaced by A.
Protein change: p.Asp1407Asn; replaces aspartic acid 1407 with asparagine.
Molecular consequence: missense variant.
Genome position (GRCh38, 1-based): chr14:75,018,852, C>T on the plus strand (G>A on the coding strand, the complement: MLH3 is on the minus strand). VCF-style: chr14-75018852-C-T. GRCh37 (hg19) VCF-style: chr14-75485555-C-T.
Other names: c.4147G>A, p.Asp1383Asn (NM_014381.3); short protein forms D1383N, D1407N.
Identifiers: ClinVar variation 3396680 (VCV003396680.1).